The following is an entry in ClinVar:

NM_000426.4(LAMA2):c.8590G>C (p.Asp2864His)

Gene: LAMA2 (laminin subunit alpha 2; plus strand). Cytogenetic location: 6q22.33.
Variant type: single nucleotide variant.
Coding change: c.8590G>C on transcript NM_000426.4 (MANE Select); coding-DNA position 8590, G replaced by C.
Protein change: p.Asp2864His; replaces aspartic acid 2864 with histidine.
Molecular consequence: missense variant.
Genome position (GRCh38, 1-based): chr6:129,505,242, G>C. VCF-style: chr6-129505242-G-C. GRCh37 (hg19) VCF-style: chr6-129826387-G-C.
Other names: c.8578G>C, p.Asp2860His (NM_001079823.2); short protein forms D2864H, D2860H.
Identifiers: ClinVar variation 2198138 (VCV002198138.1), dbSNP rs554254469, ClinGen allele CA3994872.
Genomic context (GRCh38, chr6:129,505,242, plus strand): 5'-CTCCTTTCTTTTTTGTAGATTAAGATAATGAGAAGTAAGCAAGAAGGAATTCTTTATGTA[G>C]ATGGGGCTTCCAACAGAACCATCAGTCCCAAAAAAGCCGACATCCTGGATGTCGTGGGAA-3'
Protein context (NP_000417.3, residues 2854-2874): RSKQEGILYV[Asp2864His]GASNRTISPK

ClinVar aggregate classification (germline): Uncertain significance (1 of 4 stars; one submission).

Conditions:
LAMA2-related muscular dystrophy (LAMA2-RD). Also called: Laminin alpha 2-related dystrophy. Identifiers: MedGen C5679788, MONDO:0100228.

Allele frequency attached by ClinVar (database versions not stated): gnomAD exomes 0.00002; ExAC 0.00007.
gnomAD v4.1: 25 of 1,613,842 alleles (0.0015%); highest among the groups gnomAD compares: Non-Finnish European, 0.002%; no homozygotes.

Submission:

Labcorp Genetics (formerly Invitae), Labcorp
Classification: Uncertain significance for LAMA2-related muscular dystrophy. Last evaluated: 2022-01-07. Review status: criteria provided, single submitter. Criteria: Invitae Variant Classification Sherloc (09022015). Collection method: clinical testing. Allele origin: germline.
Comment: This sequence change replaces aspartic acid, which is acidic and polar, with histidine, which is basic and polar, at codon 2864 of the LAMA2 protein (p.Asp2864His). This variant is present in population databases (rs554254469, gnomAD 0.009%). This variant has not been reported in the literature in individuals affected with LAMA2-related conditions. Advanced modeling of protein sequence and biophysical properties (such as structural, functional, and spatial information, amino acid conservation, physicochemical variation, residue mobility, and thermodynamic stability) performed at Invitae indicates that this missense variant is expected to disrupt LAMA2 protein function. In summary, the available evidence is currently insufficient to determine the role of this variant in disease. Therefore, it has been classified as a Variant of Uncertain Significance.